The following is an entry in ClinVar:

NM_001199138.2(NLRC4):c.2545A>C (p.Lys849Gln)

Gene: NLRC4 (NLR family CARD domain containing 4; minus strand). Cytogenetic location: 2p22.3.
Variant type: single nucleotide variant.
Coding change: c.2545A>C on transcript NM_001199138.2 (MANE Select); coding-DNA position 2545, A replaced by C.
Protein change: p.Lys849Gln; replaces lysine 849 with glutamine.
Molecular consequence: missense variant.
Genome position (GRCh38, 1-based): chr2:32,236,316, T>G on the plus strand (A>C on the coding strand, the complement: NLRC4 is on the minus strand). VCF-style: chr2-32236316-T-G. GRCh37 (hg19) VCF-style: chr2-32461385-T-G.
Other names: c.2545A>C, p.Lys849Gln (NM_001199139.2, NM_021209.5); c.550A>C, p.Lys184Gln (NM_001302504.2); short protein forms K184Q, K849Q.
Identifiers: ClinVar variation 1717883 (VCV001717883.5), dbSNP rs2466722247, ClinGen allele CA346521218.

ClinVar aggregate classification (germline): Uncertain significance (1 of 4 stars; one submission).

Conditions:
Familial cold autoinflammatory syndrome 4 (FCAS4). Identifiers: Orphanet 47045, Orphanet 576349, MedGen C4015276, MONDO:0014498, OMIM 616115.
Periodic fever-infantile enterocolitis-autoinflammatory syndrome. Also called: Autoinflammation with infantile enterocolitis. Identifiers: Orphanet 436166, MedGen C4015067, MONDO:0014472, OMIM 616050.

Submission:

Labcorp Genetics (formerly Invitae), Labcorp
Classification: Uncertain significance for Periodic fever-infantile enterocolitis-autoinflammatory syndrome; Familial cold autoinflammatory syndrome 4. Last evaluated: 2022-08-23. Review status: criteria provided, single submitter. Criteria: Invitae Variant Classification Sherloc (09022015). Collection method: clinical testing. Allele origin: germline.
Comment: This variant has not been reported in the literature in individuals affected with NLRC4-related conditions. In summary, the available evidence is currently insufficient to determine the role of this variant in disease. Therefore, it has been classified as a Variant of Uncertain Significance. Algorithms developed to predict the effect of missense changes on protein structure and function (SIFT, PolyPhen-2, Align-GVGD) all suggest that this variant is likely to be tolerated. This variant is not present in population databases (gnomAD no frequency). This sequence change replaces lysine, which is basic and polar, with glutamine, which is neutral and polar, at codon 849 of the NLRC4 protein (p.Lys849Gln).